The following is an entry in ClinVar:

NM_001371727.1(GABRB2):c.987_992del (p.Phe330_Phe331del)

Gene: GABRB2 (gamma-aminobutyric acid type A receptor subunit beta2; minus strand). Cytogenetic location: 5q34.
Variant type: Deletion.
Coding change: c.987_992del on transcript NM_001371727.1 (MANE Select); coding-DNA positions 987 to 992, 6 bases deleted (CTTCTT; older notation c.987_992delCTTCTT).
Protein change: p.Phe330_Phe331del.
Molecular consequence: inframe deletion.
Genome position (GRCh38, 1-based): chr5:161,330,968-161,330,973, AAGAAG deleted on the plus strand (CTTCTT on the coding strand, the reverse complement: GABRB2 is on the minus strand); deleting any 6 consecutive bases within chr5:161,330,968-161,330,974 gives the same sequence; the c. name uses the placement nearest the transcript's 3' end. VCF-style (leftmost placement, unchanged base first): chr5-161330967-AAAGAAG-A. GRCh37 (hg19) VCF-style: chr5-160757974-AAAGAAG-A.
Other names: c.987_992del, p.Phe330_Phe331del (NM_000813.3, NM_021911.3).
Identifiers: ClinVar variation 1020149 (VCV001020149.9), dbSNP rs1753821539, ClinGen allele CA1595983848.

ClinVar aggregate classification (germline): Uncertain significance (1 of 4 stars; one submission).

Conditions:
Intellectual disability. Also called: Intellectual functioning disability; intellectual disabilities; Intellectual developmental disorder. Identifiers: MedGen C3714756, MeSH D008607, MONDO:0001071, HP:0001249.

Submission:

Labcorp Genetics (formerly Invitae), Labcorp
Classification: Uncertain significance for Intellectual disability. Last evaluated: 2022-05-25. Review status: criteria provided, single submitter. Criteria: Invitae Variant Classification Sherloc (09022015). Collection method: clinical testing. Allele origin: germline.
Comment: In summary, the available evidence is currently insufficient to determine the role of this variant in disease. Therefore, it has been classified as a Variant of Uncertain Significance. This variant, c.987_992del, results in the deletion of 2 amino acid(s) of the GABRB2 protein (p.Phe330_Phe331del), but otherwise preserves the integrity of the reading frame. This variant is not present in population databases (gnomAD no frequency). This variant has not been reported in the literature in individuals affected with GABRB2-related conditions. ClinVar contains an entry for this variant (Variation ID: 1020149). Experimental studies and prediction algorithms are not available or were not evaluated, and the functional significance of this variant is currently unknown.